The following is an entry in ClinVar:

ClinVar aggregate classification (germline): Benign/Likely benign. Review status: criteria provided, multiple submitters, no conflicts (2 of 4 stars). 3 submissions from 3 submitters: Benign (1); Likely benign (2). Last evaluated 2024-10-22.

Conditions:
Birt-Hogg-Dube syndrome. Also called: Birt Hogg Dubé syndrome. Identifiers: Orphanet 122, MedGen C0346010, MONDO:0800444.
Hereditary cancer-predisposing syndrome. Also called: Neoplastic Syndromes, Hereditary; Hereditary neoplastic syndrome; Tumor predisposition; Hereditary Cancer Syndrome. Identifiers: Orphanet 140162, MedGen C0027672, MeSH D009386, MONDO:0015356.
Birt-Hogg-Dube syndrome 1 (BHD1). Also called: FIBROFOLLICULOMAS WITH TRICHODISCOMAS AND ACROCHORDONS. Identifiers: Orphanet 122, MedGen CN375946, MONDO:0800445, OMIM 135150.

Allele frequency attached by ClinVar (database versions not stated): TOPMed 0.00001; gnomAD 0.00002.
gnomAD v4.1: 3 of 1,613,860 alleles (0.00019%); highest among the groups gnomAD compares: African/African-American, 0.0027%; no homozygotes.

Submissions (3):

Myriad Genetics, Inc.
Classification: Benign for Birt-Hogg-Dube syndrome 1. Last evaluated: 2024-10-22. Review status: criteria provided, single submitter. Criteria: Myriad Autosomal Dominant, Autosomal Recessive and X-Linked Classification Criteria (2023). Collection method: clinical testing. Allele origin: unknown.
Comment: This variant is considered benign. This variant is a silent/synonymous amino acid change and it is not expected to impact splicing.

Labcorp Genetics (formerly Invitae), Labcorp
Classification: Likely benign for Birt-Hogg-Dube syndrome. Last evaluated: 2021-05-20. Review status: criteria provided, single submitter. Criteria: Invitae Variant Classification Sherloc (09022015). Collection method: clinical testing. Allele origin: germline.

Ambry Genetics
Classification: Likely benign for Hereditary cancer-predisposing syndrome. Last evaluated: 2021-01-26. Review status: criteria provided, single submitter. Criteria: Ambry Variant Classification Scheme 2023. Collection method: clinical testing. Allele origin: germline.

NM_144997.7(FLCN):c.108G>A (p.Glu36=)

Gene: FLCN (folliculin; minus strand). Cytogenetic location: 17p11.2.
Variant type: single nucleotide variant.
Coding change: c.108G>A on transcript NM_144997.7 (MANE Select); coding-DNA position 108, G replaced by A.
Protein change: p.Glu36=; no amino-acid change (glutamic acid 36 retained).
Molecular consequence: synonymous variant.
Genome position (GRCh38, 1-based): chr17:17,228,030, C>T on the plus strand (G>A on the coding strand, the complement: FLCN is on the minus strand). VCF-style: chr17-17228030-C-T. GRCh37 (hg19) VCF-style: chr17-17131344-C-T.
Other names: c.108G>A, p.Glu36= (NM_001353229.2, NM_001353230.2, NM_001353231.2 and 1 more transcripts).
Identifiers: ClinVar variation 1621263 (VCV001621263.11), dbSNP rs1256048813, ClinGen allele CA498421612.
Genomic context (GRCh38, chr17:17,228,030, plus strand): 5'-ACTGTTCATCTGAATGCCACCTTCCTCTTCTTCCGCCTGCTCACCCTGGCCAGGACTGTC[C>T]TCATTCCCATCCCCTTGAGGAAGTGGGGCGTGCAGCACCTCCGTGCAGAAGAGAGTGCGG-3'
Protein context (NP_659434.2, residues 26-46): HAPLPQGDGN[Glu36=]DSPGQGEQAE